The following is an entry in ClinVar:

NM_006922.4(SCN3A):c.5476A>G (p.Ile1826Val)

Gene: SCN3A (sodium voltage-gated channel alpha subunit 3; minus strand). Cytogenetic location: 2q24.3.
Variant type: single nucleotide variant.
Coding change: c.5476A>G on transcript NM_006922.4 (MANE Select); coding-DNA position 5476, A replaced by G.
Protein change: p.Ile1826Val; replaces isoleucine 1826 with valine.
Molecular consequence: missense variant.
Genome position (GRCh38, 1-based): chr2:165,090,677, T>C on the plus strand (A>G on the coding strand, the complement: SCN3A is on the minus strand). VCF-style: chr2-165090677-T-C. GRCh37 (hg19) VCF-style: chr2-165947187-T-C.
Other names: c.5329A>G, p.Ile1777Val (NM_001081676.2, NM_001081677.2); short protein forms I1777V, I1826V.
Identifiers: ClinVar variation 2011564 (VCV002011564.4), dbSNP rs2468038707, ClinGen allele CA349012193.

ClinVar aggregate classification (germline): Uncertain significance (1 of 4 stars; one submission).

Allele frequency attached by ClinVar (database versions not stated): gnomAD exomes below 0.00001.
gnomAD v4.1: 1 of 1,614,084 alleles (0.000062%); highest among the groups gnomAD compares: Admixed American, 0.0017%; no homozygotes.

Submission:

Labcorp Genetics (formerly Invitae), Labcorp
Classification: Uncertain significance. Last evaluated: 2022-06-27. Review status: criteria provided, single submitter. Criteria: Invitae Variant Classification Sherloc (09022015). Collection method: clinical testing. Allele origin: germline.
Comment: In summary, the available evidence is currently insufficient to determine the role of this variant in disease. Therefore, it has been classified as a Variant of Uncertain Significance. Algorithms developed to predict the effect of missense changes on protein structure and function output the following: SIFT: "Tolerated"; PolyPhen-2: "Benign"; Align-GVGD: "Class C0". The valine amino acid residue is found in multiple mammalian species, which suggests that this missense change does not adversely affect protein function. This variant has not been reported in the literature in individuals affected with SCN3A-related conditions. This variant is not present in population databases (gnomAD no frequency). This sequence change replaces isoleucine, which is neutral and non-polar, with valine, which is neutral and non-polar, at codon 1826 of the SCN3A protein (p.Ile1826Val).